The following is an entry in ClinVar:

ClinVar aggregate classification (germline): Pathogenic (1 of 4 stars; one submission).

Conditions:
Dilated cardiomyopathy 1DD (CMD1DD). Identifiers: Orphanet 154, MedGen C2750995, MONDO:0013168, OMIM 613172.

Submission:

Labcorp Genetics (formerly Invitae), Labcorp
Classification: Pathogenic for Dilated cardiomyopathy 1DD. Last evaluated: 2025-11-21. Review status: criteria provided, single submitter. Criteria: Invitae Variant Classification Sherloc (09022015). Collection method: clinical testing. Allele origin: germline.
Comment: This sequence change creates a premature translational stop signal (p.Glu886Alafs*6) in the RBM20 gene. It is expected to result in an absent or disrupted protein product. Loss-of-function variants in RBM20 are known to be pathogenic (PMID: 20590677, 22004663, 38288598, 38510713, 40339755). This variant is not present in population databases (gnomAD no frequency). This variant has not been reported in the literature in individuals affected with RBM20-related conditions. For these reasons, this variant has been classified as Pathogenic.

Literature cited by the submitters: PubMed 20590677; PubMed 22004663; PubMed 38288598; PubMed 38510713; PubMed 40339755.

NM_001134363.3(RBM20):c.2657_2658del (p.Glu886fs)

Gene: RBM20 (RNA binding motif protein 20; plus strand). Cytogenetic location: 10q25.2.
Variant type: Deletion.
Coding change: c.2657_2658del on transcript NM_001134363.3 (MANE Select); coding-DNA positions 2657 to 2658, 2 bases deleted (AA; older notation c.2657_2658delAA).
Protein change: p.Glu886fs; shifts the reading frame from glutamic acid 886.
Molecular consequence: frameshift variant.
Genome position (GRCh38, 1-based): chr10:110,821,276-110,821,277, AA deleted. VCF-style (leftmost placement, unchanged base first): chr10-110821275-GAA-G. GRCh37 (hg19) VCF-style: chr10-112581033-GAA-G.
Other names: short protein forms E886fs.
Identifiers: ClinVar variation 4721860 (VCV004721860.1).